The following is an entry in ClinVar:

NM_020937.4(FANCM):c.2975G>C (p.Arg992Thr)

Gene: FANCM (FA complementation group M; plus strand). Cytogenetic location: 14q21.2.
Variant type: single nucleotide variant.
Coding change: c.2975G>C on transcript NM_020937.4 (MANE Select); coding-DNA position 2975, G replaced by C.
Protein change: p.Arg992Thr; replaces arginine 992 with threonine.
Molecular consequence: missense variant.
Genome position (GRCh38, 1-based): chr14:45,175,729, G>C. VCF-style: chr14-45175729-G-C. GRCh37 (hg19) VCF-style: chr14-45644932-G-C.
Other names: c.2897G>C, p.Arg966Thr (NM_001308133.2); short protein forms R966T, R992T.
Identifiers: ClinVar variation 4871043 (VCV004871043.1).
Genomic context (GRCh38, chr14:45,175,729, plus strand): 5'-CAGATGACCAATTTTATAATTGTCACTCATTGACAAAAGAGGTACTAGCTAATGTAGAGA[G>C]ATTTTTATCTTATTCTCCTCCGCCTCTCAGTGGACTCTCAGACTTGGAATATGAAATTGC-3'
Protein context (NP_065988.1, residues 982-1002): LTKEVLANVE[Arg992Thr]FLSYSPPPLS

ClinVar aggregate classification (germline): Uncertain significance (1 of 4 stars; one submission).

Conditions:
Inborn genetic diseases. Identifiers: MedGen C0950123, MeSH D030342.

Submission:

Ambry Genetics
Classification: Uncertain significance for Inborn genetic diseases. Last evaluated: 2026-03-24. Review status: criteria provided, single submitter. Criteria: Ambry Variant Classification Scheme 2023. Collection method: clinical testing. Allele origin: germline.
Comment: The p.R992T variant (also known as c.2975G>C), located in coding exon 14 of the FANCM gene, results from a G to C substitution at nucleotide position 2975. The arginine at codon 992 is replaced by threonine, an amino acid with similar properties. This amino acid position is conserved. In addition, this alteration is predicted to be tolerated by in silico analysis. Based on the available evidence, the clinical significance of this variant remains unclear.